The following is an entry in ClinVar:

ClinVar aggregate classification (germline): Pathogenic (1 of 4 stars; one submission).

Conditions:
Split hand-foot malformation 3. Also called: CHROMOSOME 10q24 DUPLICATION SYNDROME; SHSF3; Buttiens Fryns syndrome. Identifiers: Orphanet 1307, MedGen C1838652, MONDO:0009525, OMIM 246560.

Submission:

Baylor Genetics
Classification: Pathogenic for Split hand-foot malformation 3. Last evaluated: 2018-11-01. Review status: criteria provided, single submitter. Criteria: ACMG CNV Guidelines, 2011. Collection method: clinical testing. Allele origin: de novo. Observed: 1 variant allele.

GRCh37/hg19 10q24.31-24.32(chr10:102822575-103558868)

Genes: FBXW4 (F-box and WD repeat domain containing 4; minus strand), OGA (O-GlcNAcase; minus strand), BTRC (beta-transducin repeat containing E3 ubiquitin protein ligase; plus strand), TLX1NB (TLX1 neighbor; minus strand), LBX1 (ladybird homeobox 1; minus strand) and 6 more. Cytogenetic location: 10q24.31-24.32.
Variant type: copy number gain.
Identifiers: ClinVar variation 625658 (VCV000625658.1).